The following is an entry in ClinVar:

ClinVar aggregate classification (germline): Uncertain significance. Review status: criteria provided, multiple submitters, no conflicts (2 of 4 stars). 2 submissions from 2 submitters: Uncertain significance (2). Last evaluated 2026-08-30.

Submissions (2):

Ambry Genetics
Classification: Uncertain significance. Last evaluated: 2026-08-30. Review status: criteria provided, single submitter. Criteria: Ambry Variant Classification Scheme 2023. Collection method: clinical testing. Allele origin: germline.
Comment: The p.D144Y variant (also known as c.430G>T), located in coding exon 4 of the RINT1 gene, results from a G to T substitution at nucleotide position 430. The aspartic acid at codon 144 is replaced by tyrosine, an amino acid with highly dissimilar properties. This amino acid position is conserved. In addition, this alteration is predicted to be tolerated by in silico analysis. Based on the available evidence, the clinical significance of this variant remains unclear.

Labcorp Genetics (formerly Invitae), Labcorp
Classification: Uncertain significance. Last evaluated: 2021-01-10. Review status: criteria provided, single submitter. Criteria: Invitae Variant Classification Sherloc (09022015). Collection method: clinical testing. Allele origin: germline.
Comment: In summary, the available evidence is currently insufficient to determine the role of this variant in disease. Therefore, it has been classified as a Variant of Uncertain Significance. Algorithms developed to predict the effect of missense changes on protein structure and function are either unavailable or do not agree on the potential impact of this missense change (SIFT: "Deleterious"; PolyPhen-2: "Benign"; Align-GVGD: "Class C0"). This variant has not been reported in the literature in individuals with RINT1-related conditions. This variant is not present in population databases (ExAC no frequency). This sequence change replaces aspartic acid with tyrosine at codon 144 of the RINT1 protein (p.Asp144Tyr). The aspartic acid residue is highly conserved and there is a large physicochemical difference between aspartic acid and tyrosine.

NM_021930.6(RINT1):c.430G>T (p.Asp144Tyr)

Gene: RINT1 (RAD50 interactor 1; plus strand). Cytogenetic location: 7q22.3.
Variant type: single nucleotide variant.
Coding change: c.430G>T on transcript NM_021930.6 (MANE Select); coding-DNA position 430, G replaced by T.
Protein change: p.Asp144Tyr; replaces aspartic acid 144 with tyrosine.
Molecular consequence: missense variant. On other transcripts: 5 prime UTR variant (3), non-coding transcript variant (1).
Genome position (GRCh38, 1-based): chr7:105,542,564, G>T. VCF-style: chr7-105542564-G-T. GRCh37 (hg19) VCF-style: chr7-105183011-G-T.
Other names: c.196G>T, p.Asp66Tyr (NM_001346599.2); c.-590G>T (NM_001346600.2); c.-493G>T (NM_001346601.2); c.-113G>T (NM_001346603.2); c.430G>T (NM_021930.4); short protein forms D144Y, D66Y.
Identifiers: ClinVar variation 1501661 (VCV001501661.9), dbSNP rs139214585, ClinGen allele CA368803615.